The following is an entry in ClinVar:

ClinVar aggregate classification (germline): Conflicting classifications of pathogenicity. Review status: criteria provided, conflicting classifications (1 of 4 stars). 5 submissions from 5 submitters: Uncertain significance (1); Likely benign (3). 1 of the submissions does not count toward it. Last evaluated 2026-01-26.

Conditions:
Hereditary cancer-predisposing syndrome. Also called: Hereditary Cancer Syndrome; Neoplastic Syndromes, Hereditary; Tumor predisposition; Hereditary neoplastic syndrome. Identifiers: Orphanet 140162, MedGen C0027672, MeSH D009386, MONDO:0015356.
SMARCA4-related disorder. Also called: SMARCA4-related condition.
Rhabdoid tumor predisposition syndrome 2 (RTPS2). Identifiers: Orphanet 231108, Orphanet 69077, MedGen C2750074, MONDO:0013224, OMIM 613325.
Intellectual disability, autosomal dominant 16 (CSS4). Also called: COFFIN-SIRIS SYNDROME 4. Identifiers: Orphanet 1465, MedGen C3553249, MONDO:0013821, OMIM 614609.

Allele frequency attached by ClinVar (database versions not stated): gnomAD exomes 0.00003; gnomAD 0.00006; ExAC 0.00007; ESP Exome Variant Server 0.00008; TOPMed 0.00010; 1000 Genomes Project 30x 0.00016; 1000 Genomes Project 0.00020.
gnomAD v4.1: 21 of 1,584,582 alleles (0.0013%); highest among the groups gnomAD compares: African/African-American, 0.016%; 1 homozygote.

Submissions (5):

Labcorp Genetics (formerly Invitae), Labcorp
Classification: Likely benign for Rhabdoid tumor predisposition syndrome 2. Last evaluated: 2026-01-26. Review status: criteria provided, single submitter. Criteria: Invitae Variant Classification Sherloc (09022015). Collection method: clinical testing. Allele origin: germline.

Quest Diagnostics Nichols Institute San Juan Capistrano
Classification: Uncertain significance. Last evaluated: 2023-06-29. Review status: criteria provided, single submitter. Criteria: Quest Diagnostics criteria. Collection method: clinical testing. Allele origin: unknown.
Comment: To the best of our knowledge, this variant has not been reported in the published literature. The frequency of this variant in the general population, 0.0002 (4/20368 chromosomes in African/African American subpopulation (Genome Aggregation Database)), is higher than would generally be expected for pathogenic variants in this gene. Analysis of this variant using software algorithms for the prediction of the effect of nucleotide changes on SMARCA4 mRNA splicing yielded inconclusive findings . Based on the available information, we are unable to determine the clinical significance of this variant.

Genome-Nilou Lab
Classification: Likely benign for Intellectual disability, autosomal dominant 16. Last evaluated: 2021-07-15. Review status: criteria provided, single submitter. Criteria: ACMG Guidelines, 2015. Collection method: clinical testing. Allele origin: germline. Affected: no.

Ambry Genetics
Classification: Likely benign for Hereditary cancer-predisposing syndrome. Last evaluated: 2019-10-07. Review status: criteria provided, single submitter. Criteria: Ambry Variant Classification Scheme 2023. Collection method: clinical testing. Allele origin: germline.

PreventionGenetics, part of Exact Sciences
Classification: Likely benign for SMARCA4-related condition. Last evaluated: 2020-08-06. Review status: no assertion criteria provided. Collection method: clinical testing. Allele origin: germline. Not counted in ClinVar's aggregate classification.
Comment: This variant is classified as likely benign based on ACMG/AMP sequence variant interpretation guidelines (Richards et al. 2015 PMID: 25741868, with internal and published modifications).

NM_003072.5(SMARCA4):c.1419+5G>A

Gene: SMARCA4 (SWI/SNF related BAF chromatin remodeling complex subunit ATPase 4; plus strand). Cytogenetic location: 19p13.2.
Variant type: single nucleotide variant.
Coding change: c.1419+5G>A on transcript NM_003072.5 (MANE Select); 5 bases into the intron after coding-DNA position 1419, G replaced by A.
Molecular consequence: intron variant.
Genome position (GRCh38, 1-based): chr19:10,991,328, G>A. VCF-style: chr19-10991328-G-A. GRCh37 (hg19) VCF-style: chr19-11102004-G-A.
Other names: c.1419+5G>A (NM_001128844.3, NM_001128849.3, NM_001128847.4 and 5 more transcripts).
Identifiers: ClinVar variation 480584 (VCV000480584.20), dbSNP rs199814381, ClinGen allele CA9203766.
Genomic context (GRCh38, chr19:10,991,328, plus strand): 5'-AGCTGGAGAAGCAGCAGAAGATCGAGCAGGAGCGCAAGCGCCGGCAGAAGCACCAGGTAC[G>A]CTCCGGTGGCCCCAAGGCCCTGCAGCCCGCCCACCTGGCTGCCTGGCTTGTCCAGCGGTT-3'